The following is an entry in ClinVar:

NM_000245.4(MET):c.3245A>T (p.Glu1082Val)

Gene: MET (MET proto-oncogene, receptor tyrosine kinase; plus strand). Cytogenetic location: 7q31.2.
Variant type: single nucleotide variant.
Coding change: c.3245A>T on transcript NM_000245.4 (MANE Select); coding-DNA position 3245, A replaced by T.
Protein change: p.Glu1082Val; replaces glutamic acid 1082 with valine.
Molecular consequence: missense variant.
Genome position (GRCh38, 1-based): chr7:116,775,097, A>T. VCF-style: chr7-116775097-A-T. GRCh37 (hg19) VCF-style: chr7-116415151-A-T.
Other names: c.3299A>T, p.Glu1100Val (NM_001127500.3); c.1955A>T, p.Glu652Val (NM_001324402.2); short protein forms E1082V, E652V, E1100V.
Identifiers: ClinVar variation 1729909 (VCV001729909.5), dbSNP rs2117032293, ClinGen allele CA368988815.

ClinVar aggregate classification (germline): Uncertain significance. Review status: criteria provided, multiple submitters, no conflicts (2 of 4 stars). 2 submissions from 2 submitters: Uncertain significance (2). Last evaluated 2023-03-16.

Conditions:
Renal cell carcinoma. Identifiers: Orphanet 217071, MedGen C0007134, MeSH D002292, MONDO:0005086, HP:0005584.
Hereditary cancer-predisposing syndrome. Also called: Neoplastic Syndromes, Hereditary; Tumor predisposition; Hereditary Cancer Syndrome; Hereditary neoplastic syndrome. Identifiers: Orphanet 140162, MedGen C0027672, MeSH D009386, MONDO:0015356.

Submissions (2):

Labcorp Genetics (formerly Invitae), Labcorp
Classification: Uncertain significance for Renal cell carcinoma. Last evaluated: 2023-03-16. Review status: criteria provided, single submitter. Criteria: Invitae Variant Classification Sherloc (09022015). Collection method: clinical testing. Allele origin: germline.
Comment: In summary, the available evidence is currently insufficient to determine the role of this variant in disease. Therefore, it has been classified as a Variant of Uncertain Significance. Advanced modeling of protein sequence and biophysical properties (such as structural, functional, and spatial information, amino acid conservation, physicochemical variation, residue mobility, and thermodynamic stability) performed at Invitae indicates that this missense variant is expected to disrupt MET protein function. ClinVar contains an entry for this variant (Variation ID: 1729909). This variant has not been reported in the literature in individuals affected with MET-related conditions. This variant is not present in population databases (gnomAD no frequency). This sequence change replaces glutamic acid, which is acidic and polar, with valine, which is neutral and non-polar, at codon 1100 of the MET protein (p.Glu1100Val).

Ambry Genetics
Classification: Uncertain significance for Hereditary cancer-predisposing syndrome. Last evaluated: 2020-08-04. Review status: criteria provided, single submitter. Criteria: Ambry Variant Classification Scheme 2023. Collection method: clinical testing. Allele origin: germline.
Comment: The p.E1100V variant (also known as c.3299A>T), located in coding exon 14 of the MET gene, results from an A to T substitution at nucleotide position 3299. The glutamic acid at codon 1100 is replaced by valine, an amino acid with dissimilar properties. This amino acid position is well conserved in available vertebrate species. In addition, the in silico prediction for this alteration is inconclusive. Since supporting evidence is limited at this time, the clinical significance of this alteration remains unclear.